The following is an entry in ClinVar:

NM_004170.6(SLC1A1):c.768-4C>G

Gene: SLC1A1 (solute carrier family 1 member 1; plus strand). Cytogenetic location: 9p24.2.
Variant type: single nucleotide variant.
Coding change: c.768-4C>G on transcript NM_004170.6 (MANE Select); 4 bases into the intron before coding-DNA position 768, C replaced by G.
Molecular consequence: intron variant.
Genome position (GRCh38, 1-based): chr9:4,573,903, C>G. VCF-style: chr9-4573903-C-G. GRCh37 (hg19) VCF-style: chr9-4573903-C-G.
Identifiers: ClinVar variation 1034055 (VCV001034055.2), dbSNP rs368368579, ClinGen allele CA4969124.

ClinVar aggregate classification (germline): Uncertain significance. Review status: criteria provided, multiple submitters, no conflicts (2 of 4 stars). 2 submissions from 2 submitters: Uncertain significance (2). Last evaluated 2018-09-22.

Conditions:
Dicarboxylic aminoaciduria (DCBXA). Also called: GLUTAMATE-ASPARTATE TRANSPORT DEFECT. Identifiers: Orphanet 2195, MedGen C1857253, MONDO:0009110, OMIM 222730.

Allele frequency attached by ClinVar (database versions not stated): gnomAD 0.00007 and 0.00008; TOPMed 0.00012; 1000 Genomes Project 30x 0.00016; 1000 Genomes Project 0.00020; ESP Exome Variant Server 0.00023; ExAC 0.00028.
gnomAD v4.1: 352 of 1,592,214 alleles (0.022%); highest among the groups gnomAD compares: Middle Eastern, 0.33%; no homozygotes.

Submissions (2):

Baylor Genetics
Classification: Uncertain significance for Dicarboxylic aminoaciduria. Last evaluated: 2018-09-22. Review status: criteria provided, single submitter. Criteria: ACMG Guidelines, 2015. Collection method: clinical testing. Allele origin: maternal. Affected: yes.
Comment: This variant was determined to be of uncertain significance according to ACMG Guidelines, 2015 [PMID:25741868].

Breakthrough Genomics
Classification: Uncertain significance. Review status: criteria provided, single submitter. Criteria: ACMG Guidelines, 2015. Collection method: not provided. Allele origin: germline. Inheritance: Autosomal recessive inheritance. Affected: yes.